The following is an entry in ClinVar:

ClinVar aggregate classification (germline): Conflicting classifications of pathogenicity. Review status: criteria provided, conflicting classifications (1 of 4 stars). 3 submissions from 3 submitters: Uncertain significance (1); Likely benign (1). 1 of the submissions does not count toward it. Last evaluated 2026-10-29.

Conditions:
NLRP5-related disorder. Also called: NLRP5-related condition.
Oocyte/zygote/embryo maturation arrest 19 (OZEMA19). Identifiers: MedGen C5830442, MONDO:0957231, OMIM 620333.

Allele frequency attached by ClinVar (database versions not stated): 1000 Genomes Project 0.00100; gnomAD exomes 0.00132; ESP Exome Variant Server 0.00137; 1000 Genomes Project 30x 0.00141; TOPMed 0.00142; gnomAD 0.00151 and 0.00153; ExAC 0.00169.
gnomAD v4.1: 3,806 of 1,560,212 alleles (0.24%); highest among the groups gnomAD compares: Non-Finnish European, 0.3%; 3 homozygotes.

Submissions (3):

Department of Molecular Genetics, Istishari Arab Hospital
Classification: Uncertain significance for Oocyte/zygote/embryo maturation arrest 19. Last evaluated: 2026-10-29. Review status: criteria provided, single submitter. Criteria: ACMG Guidelines, 2015. Collection method: clinical testing. Allele origin: germline. Inheritance: Autosomal recessive inheritance. Affected: yes.
Comment: The NLRP5 variant c.842C>T, p.Thr281Met causes an amino acid change from Thr to Met at position 281 located in exon 7 (of 15 exons). It is present in gnomAD v4.1.1 at a total allele frequency of 0.00244 and has been observed in the homozygous state in three individuals: one XY and two XX. The reproductive phenotypes of the homozygous XX individuals are unavailable; therefore, their presence cannot independently be considered evidence against pathogenicity. To the best of our knowledge, this variant has not been reported in the literature. It is classified as a variant of uncertain significance based on ACMG/AMP/ClinGen SVI guidelines.

Labcorp Genetics (formerly Invitae), Labcorp
Classification: Likely benign. Last evaluated: 2019-12-31. Review status: criteria provided, single submitter. Criteria: Invitae Variant Classification Sherloc (09022015). Collection method: clinical testing. Allele origin: germline.

PreventionGenetics, part of Exact Sciences
Classification: Likely benign for NLRP5-related condition. Last evaluated: 2022-02-14. Review status: no assertion criteria provided. Collection method: clinical testing. Allele origin: germline. Not counted in ClinVar's aggregate classification.
Comment: This variant is classified as likely benign based on ACMG/AMP sequence variant interpretation guidelines (Richards et al. 2015 PMID: 25741868, with internal and published modifications).

NM_001433705.1(NLRP5):c.689C>T (p.Thr230Met)

Genes: NLRP5 (NLR family pyrin domain containing 5; plus strand), LOC126862935 (BRD4-independent group 4 enhancer GRCh37_chr19:56537936-56539135; plus strand). Cytogenetic location: 19q13.43.
Variant type: single nucleotide variant.
Coding change: c.689C>T on transcript NM_001433705.1 (MANE Select); coding-DNA position 689, C replaced by T.
Protein change: p.Thr230Met; replaces threonine 230 with methionine.
Molecular consequence: missense variant.
Genome position (GRCh38, 1-based): chr19:56,027,075, C>T. VCF-style: chr19-56027075-C-T. GRCh37 (hg19) VCF-style: chr19-56538441-C-T.
Other names: NM_153447.4:c.842C>T; p.Thr281Met; short protein forms T230M.
Identifiers: ClinVar variation 786437 (VCV000786437.7), dbSNP rs45627733, ClinGen allele CA9685371.